The following is an entry in ClinVar:

NM_152381.6(XIRP2):c.563-26158C>T

Gene: XIRP2 (xin actin binding repeat containing 2; plus strand). Cytogenetic location: 2q24.3.
Variant type: single nucleotide variant.
Coding change: c.563-26158C>T on transcript NM_152381.6 (MANE Select); 26158 bases into the intron before coding-DNA position 563, C replaced by T.
Molecular consequence: intron variant. On other transcripts: missense variant (1).
Genome position (GRCh38, 1-based): chr2:167,184,577, C>T. VCF-style: chr2-167184577-C-T. GRCh37 (hg19) VCF-style: chr2-168041087-C-T.
Other names: c.598C>T, p.Leu200Phe (NM_001199143.2); c.563-26158C>T (NM_001079810.4); short protein forms L200F.
Identifiers: ClinVar variation 789967 (VCV000789967.7), dbSNP rs77546992, ClinGen allele CA1946204.

ClinVar aggregate classification (germline): Benign. Review status: criteria provided, multiple submitters, no conflicts (2 of 4 stars). 3 submissions from 3 submitters: Benign (2). 1 of the submissions does not count toward it. Last evaluated 2019-12-31.

Conditions:
XIRP2-related disorder. Also called: XIRP2-related condition.

Allele frequency attached by ClinVar (database versions not stated): gnomAD exomes 0.00743 and 0.00984; ExAC 0.00841; gnomAD 0.01050 and 0.01079; TOPMed 0.01191; 1000 Genomes Project 30x 0.02249; 1000 Genomes Project 0.02276.
gnomAD v4.1: 6,035 of 717,470 alleles (0.84%); highest among the groups gnomAD compares: East Asian, 5.2%; 100 homozygotes.

Submissions (3):

Labcorp Genetics (formerly Invitae), Labcorp
Classification: Benign. Last evaluated: 2019-12-31. Review status: criteria provided, single submitter. Criteria: Invitae Variant Classification Sherloc (09022015). Collection method: clinical testing. Allele origin: germline.

Breakthrough Genomics
Classification: Benign. Review status: criteria provided, single submitter. Criteria: ACMG Guidelines, 2015. Collection method: not provided. Allele origin: germline. Inheritance: Unknown mechanism. Affected: yes.

PreventionGenetics, part of Exact Sciences
Classification: Benign for XIRP2-related condition. Last evaluated: 2019-02-21. Review status: no assertion criteria provided. Collection method: clinical testing. Allele origin: germline. Not counted in ClinVar's aggregate classification.
Comment: This variant is classified as benign based on ACMG/AMP sequence variant interpretation guidelines (Richards et al. 2015 PMID: 25741868, with internal and published modifications).